The following is an entry in ClinVar:

ClinVar aggregate classification (germline): Uncertain significance. Review status: criteria provided, multiple submitters, no conflicts (2 of 4 stars). 7 submissions from 7 submitters: Uncertain significance (7). Last evaluated 2026-01-30.

Conditions:
NPHP4-related disorder. Also called: NPHP4-related condition; NPHP4-related disorders. Identifiers: MedGen CN239384.
Nephronophthisis. Also called: Juvenile Nephronophthisis. Identifiers: Orphanet 655, MedGen C0687120, MONDO:0019005, HP:0000090.
Senior-Loken syndrome 4 (SLSN4). Identifiers: Orphanet 3156, MedGen C1846979, MONDO:0011756, OMIM 606996.
Nephronophthisis 4 (NPHP4). Also called: NEPHRONOPHTHISIS 4, JUVENILE. Identifiers: Orphanet 655, MedGen C1847013, MONDO:0011752, OMIM 606966.

Allele frequency attached by ClinVar (database versions not stated): ESP Exome Variant Server 0.00008; ExAC 0.00013; gnomAD exomes 0.00016 and 0.00039; gnomAD 0.00018; TOPMed 0.00019.
gnomAD v4.1: 599 of 1,611,514 alleles (0.037%); highest among the groups gnomAD compares: Non-Finnish European, 0.048%; no homozygotes.

Submissions (7):

PreventionGenetics, part of Exact Sciences
Classification: Uncertain significance for NPHP4-related condition. Last evaluated: 2026-01-30. Review status: criteria provided, single submitter. Criteria: ACMG Guidelines, 2015. Collection method: clinical testing. Allele origin: germline.
Comment: The NPHP4 c.1813G>A variant is predicted to result in the amino acid substitution p.Gly605Ser. To our knowledge, this variant has not been reported in the literature. This variant is reported in 0.036% of alleles in individuals of European (Non-Finnish) descent in gnomAD. At this time, the clinical significance of this variant is uncertain due to the absence of conclusive functional and genetic evidence.

Blueprint Genetics
Classification: Uncertain significance. Last evaluated: 2024-10-24. Review status: criteria provided, single submitter. Criteria: ACMG Guidelines, 2015. Collection method: clinical testing. Allele origin: germline.

Fulgent Genetics
Classification: Uncertain significance for Nephronophthisis 4; Senior-Loken syndrome 4. Last evaluated: 2024-04-18. Review status: criteria provided, single submitter. Criteria: ACMG Guidelines, 2015. Collection method: clinical testing. Allele origin: germline.

Mayo Clinic Laboratories, Mayo Clinic
Classification: Uncertain significance. Last evaluated: 2023-08-02. Review status: criteria provided, single submitter. Criteria: ACMG Guidelines, 2015. Collection method: clinical testing. Allele origin: germline. Observed: 1 variant allele.

Labcorp Genetics (formerly Invitae), Labcorp
Classification: Uncertain significance for Nephronophthisis. Last evaluated: 2022-10-13. Review status: criteria provided, single submitter. Criteria: Invitae Variant Classification Sherloc (09022015). Collection method: clinical testing. Allele origin: germline.
Comment: This sequence change replaces glycine, which is neutral and non-polar, with serine, which is neutral and polar, at codon 605 of the NPHP4 protein (p.Gly605Ser). This variant is present in population databases (rs201282741, gnomAD 0.04%). This variant has not been reported in the literature in individuals affected with NPHP4-related conditions. ClinVar contains an entry for this variant (Variation ID: 502785). Algorithms developed to predict the effect of missense changes on protein structure and function output the following: SIFT: "Tolerated"; PolyPhen-2: "Possibly Damaging"; Align-GVGD: "Class C0". The serine amino acid residue is found in multiple mammalian species, which suggests that this missense change does not adversely affect protein function. In summary, the available evidence is currently insufficient to determine the role of this variant in disease. Therefore, it has been classified as a Variant of Uncertain Significance.

GeneDx
Classification: Uncertain significance. Last evaluated: 2022-08-22. Review status: criteria provided, single submitter. Criteria: GeneDx Variant Classification Process June 2021. Collection method: clinical testing. Allele origin: germline. Affected: yes.
Comment: In silico analysis supports that this missense variant has a deleterious effect on protein structure/function; Has not been previously published as pathogenic or benign to our knowledge

Eurofins Ntd Llc (ga)
Classification: Uncertain significance. Last evaluated: 2017-06-29. Review status: criteria provided, single submitter. Criteria: EGL Classification Definitions 2015. Collection method: clinical testing. Allele origin: germline. Observed: 2 variant alleles, 2 heterozygotes.

NM_015102.5(NPHP4):c.1813G>A (p.Gly605Ser)

Gene: NPHP4 (nephrocystin 4; minus strand). Cytogenetic location: 1p36.31.
Variant type: single nucleotide variant.
Coding change: c.1813G>A on transcript NM_015102.5 (MANE Select); coding-DNA position 1813, G replaced by A.
Protein change: p.Gly605Ser; replaces glycine 605 with serine.
Molecular consequence: missense variant. On other transcripts: non-coding transcript variant (1).
Genome position (GRCh38, 1-based): chr1:5,905,434, C>T on the plus strand (G>A on the coding strand, the complement: NPHP4 is on the minus strand). VCF-style: chr1-5905434-C-T. GRCh37 (hg19) VCF-style: chr1-5965494-C-T.
Other names: p.Gly605Ser; c.1813G>A (NM_015102.3); c.274G>A, p.Gly92Ser (NM_001291593.2); c.277G>A, p.Gly93Ser (NM_001291594.2); short protein forms G605S, G92S, G93S.
Identifiers: ClinVar variation 502785 (VCV000502785.15), dbSNP rs201282741, ClinGen allele CA554358.